The following is an entry in ClinVar:

ClinVar aggregate classification (germline): Uncertain significance (1 of 4 stars; one submission).

gnomAD v4.1: 6 of 1,612,806 alleles (0.00037%); highest among the groups gnomAD compares: East Asian, 0.0089%; no homozygotes.

Submission:

GeneDx
Classification: Uncertain significance. Last evaluated: 2025-06-10. Review status: criteria provided, single submitter. Criteria: GeneDx Variant Classification Process June 2021. Collection method: clinical testing. Allele origin: germline.
Comment: In silico analysis suggests that this missense variant does not alter protein structure/function; Has not been previously published as pathogenic or benign to our knowledge

NM_001379180.1(ESRRB):c.220G>A (p.Ala74Thr)

Gene: ESRRB (estrogen related receptor beta; plus strand). Cytogenetic location: 14q24.3.
Variant type: single nucleotide variant.
Coding change: c.220G>A on transcript NM_001379180.1 (MANE Select); coding-DNA position 220, G replaced by A.
Protein change: p.Ala74Thr; replaces alanine 74 with threonine.
Molecular consequence: missense variant.
Genome position (GRCh38, 1-based): chr14:76,439,510, G>A. VCF-style: chr14-76439510-G-A. GRCh37 (hg19) VCF-style: chr14-76905853-G-A.
Other names: c.172G>A, p.Ala58Thr (NM_001411038.1); c.157G>A, p.Ala53Thr (NM_004452.4); short protein forms A53T, A58T, A74T.
Identifiers: ClinVar variation 3769922 (VCV003769922.2).